The following is an entry in ClinVar:

ClinVar aggregate classification (germline): Uncertain significance (1 of 4 stars; one submission).

Allele frequency attached by ClinVar (database versions not stated): gnomAD exomes below 0.00001.
gnomAD v4.1: 1 of 1,610,722 alleles (0.000062%); highest among the groups gnomAD compares: Admixed American, 0.0017%; no homozygotes.

Submission:

Labcorp Genetics (formerly Invitae), Labcorp
Classification: Uncertain significance. Last evaluated: 2022-06-03. Review status: criteria provided, single submitter. Criteria: Invitae Variant Classification Sherloc (09022015). Collection method: clinical testing. Allele origin: germline.
Comment: ClinVar contains an entry for this variant (Variation ID: 966596). This variant has not been reported in the literature in individuals affected with IMPG2-related conditions. This variant is present in population databases (no rsID available, gnomAD 0.003%). This sequence change falls in intron 11 of the IMPG2 gene. It does not directly change the encoded amino acid sequence of the IMPG2 protein. In summary, the available evidence is currently insufficient to determine the role of this variant in disease. Therefore, it has been classified as a Variant of Uncertain Significance. Algorithms developed to predict the effect of sequence changes on RNA splicing suggest that this variant may disrupt the consensus splice site.

NM_016247.4(IMPG2):c.1240-6C>G

Gene: IMPG2 (interphotoreceptor matrix proteoglycan 2; minus strand). Cytogenetic location: 3q12.3.
Variant type: single nucleotide variant.
Coding change: c.1240-6C>G on transcript NM_016247.4 (MANE Select); 6 bases into the intron before coding-DNA position 1240, C replaced by G.
Molecular consequence: intron variant.
Genome position (GRCh38, 1-based): chr3:101,246,111, G>C on the plus strand (C>G on the coding strand, the complement: IMPG2 is on the minus strand). VCF-style: chr3-101246111-G-C. GRCh37 (hg19) VCF-style: chr3-100964955-G-C.
Identifiers: ClinVar variation 966596 (VCV000966596.9), dbSNP rs1186809984, ClinGen allele CA545494282.